The following is an entry in ClinVar:

NM_001195553.2(DCX):c.478dup (p.Gln160fs)

Gene: DCX (doublecortin; minus strand). Cytogenetic location: Xq23.
Variant type: Duplication.
Coding change: c.478dup on transcript NM_001195553.2 (MANE Select); coding-DNA position 478, one base duplicated (C; older notation c.478dupC).
Protein change: p.Gln160fs; shifts the reading frame from glutamine 160.
Molecular consequence: frameshift variant.
Genome position (GRCh38, 1-based): chrX:111,401,217, G duplicated on the plus strand (C on the coding strand, the reverse complement: DCX is on the minus strand); the first of 6 consecutive G bases (chrX:111,401,217-111,401,222); duplicating any one gives the same sequence. VCF-style (leftmost placement, unchanged base first): chrX-111401216-T-TG. GRCh37 (hg19) VCF-style: chrX-110644444-T-TG.
Other names: c.721dup, p.Gln241fs (NM_000555.3); c.478dup, p.Gln160fs (NM_001369370.1, NM_001369371.1, NM_001369372.1 and 5 more transcripts); short protein forms Q160fs, Q241fs.
Identifiers: ClinVar variation 1210701 (VCV001210701.4), dbSNP rs2147263208, ClinGen allele CA2499226335.

ClinVar aggregate classification (germline): Pathogenic. Review status: criteria provided, multiple submitters, no conflicts (2 of 4 stars). 2 submissions from 2 submitters: Pathogenic (2). Last evaluated 2019-10-15.

Conditions:
Lissencephaly type 1 due to doublecortin gene mutation. Also called: LISSENCEPHALY, X-LINKED, 1; LISSENCEPHALY AND AGENESIS OF CORPUS CALLOSUM. Identifiers: Orphanet 2148, MedGen C4551968, MONDO:0010239, OMIM 300067.

Submissions (2):

GeneDx
Classification: Pathogenic. Last evaluated: 2019-10-15. Review status: criteria provided, single submitter. Criteria: GeneDx Variant Classification Process June 2021. Collection method: clinical testing. Allele origin: germline. Affected: yes.
Comment: Frameshift variant predicted to result in protein truncation or nonsense mediated decay in a gene for which loss-of-function is a known mechanism of disease; Not observed in large population cohorts (Lek et al., 2016); Has not been previously published as pathogenic or benign to our knowledge

Suma Genomics
Classification: Pathogenic for Lissencephaly type 1 due to doublecortin gene mutation. Review status: criteria provided, single submitter. Criteria: ACMG Guidelines, 2015. Collection method: clinical testing. Allele origin: de novo. Inheritance: X-linked inheritance. Affected: yes.